The following is an entry in ClinVar:

NM_014141.6(CNTNAP2):c.527T>C (p.Ile176Thr)

Gene: CNTNAP2 (contactin associated protein 2; plus strand). Cytogenetic location: 7q35.
Variant type: single nucleotide variant.
Coding change: c.527T>C on transcript NM_014141.6 (MANE Select); coding-DNA position 527, T replaced by C.
Protein change: p.Ile176Thr; replaces isoleucine 176 with threonine.
Molecular consequence: missense variant.
Genome position (GRCh38, 1-based): chr7:147,044,031, T>C. VCF-style: chr7-147044031-T-C. GRCh37 (hg19) VCF-style: chr7-146741123-T-C.
Other names: short protein forms I176T.
Identifiers: ClinVar variation 1477251 (VCV001477251.6), dbSNP rs2129255377, ClinGen allele CA369923643.

ClinVar aggregate classification (germline): Uncertain significance (1 of 4 stars; one submission).

Conditions:
Cortical dysplasia-focal epilepsy syndrome (PTHSL1). Also called: Pitt-Hopkins-like syndrome 1. Identifiers: Orphanet 163681, Orphanet 221150, MedGen C2750246, MONDO:0012400, OMIM 610042.

Allele frequency attached by ClinVar (database versions not stated): gnomAD exomes below 0.00001.
gnomAD v4.1: 5 of 1,614,186 alleles (0.00031%); highest among the groups gnomAD compares: South Asian, 0.0022%; no homozygotes.

Submission:

Labcorp Genetics (formerly Invitae), Labcorp
Classification: Uncertain significance for Cortical dysplasia-focal epilepsy syndrome. Last evaluated: 2021-08-11. Review status: criteria provided, single submitter. Criteria: Invitae Variant Classification Sherloc (09022015). Collection method: clinical testing. Allele origin: germline.
Comment: In summary, the available evidence is currently insufficient to determine the role of this variant in disease. Therefore, it has been classified as a Variant of Uncertain Significance. Algorithms developed to predict the effect of missense changes on protein structure and function (SIFT, PolyPhen-2, Align-GVGD) all suggest that this variant is likely to be tolerated. This variant has not been reported in the literature in individuals affected with CNTNAP2-related conditions. This variant is not present in population databases (ExAC no frequency). This sequence change replaces isoleucine with threonine at codon 176 of the CNTNAP2 protein (p.Ile176Thr). The isoleucine residue is weakly conserved and there is a moderate physicochemical difference between isoleucine and threonine.